The following is an entry in ClinVar:

ClinVar aggregate classification (germline): Uncertain significance (1 of 4 stars; one submission).

Conditions:
Generalized epilepsy with febrile seizures plus, type 2 (GEFSP2). Also called: GEFS+, TYPE 2. Identifiers: Orphanet 36387, MedGen C1858673, MONDO:0011461, OMIM 604403.

Allele frequency attached by ClinVar (database versions not stated): gnomAD exomes below 0.00001; ExAC 0.00001.
gnomAD v4.1: 3 of 1,610,294 alleles (0.00019%); highest among the groups gnomAD compares: South Asian, 0.0011%; no homozygotes.

Submission:

Victorian Clinical Genetics Services, Murdoch Childrens Research Institute
Classification: Uncertain significance for Generalized epilepsy with febrile seizures plus, type 2. Last evaluated: 2020-06-11. Review status: criteria provided, single submitter. Criteria: ACMG Guidelines, 2015. Collection method: clinical testing. Allele origin: germline. Inheritance: Autosomal dominant inheritance. Affected: yes.
Comment: Based on the classification scheme VCGS_Germline_v1.1.1, this variant is classified as 3B-VUS. Following criteria are met: 0103 - Both loss- and gain-of-function are known mechanisms of disease for this gene (PMID:28488083). (N) 0107 - This gene is known to be associated with autosomal dominant disease. (N) 0200 - Variant is predicted to result in a missense amino acid change from isoleucine to valine (exon 25). (N) 0251 - Variant is heterozygous. (N) 0302 - Variant is present in gnomAD <0.001 for a dominant condition (1 heterozygote, 0 homozygotes). (P) 0502 - Missense variant with conflicting in silico predictions and/or uninformative conservation. (N) 0600 - Variant is located in an annotated domain or motif (pore region repeat IV domain; UniProt, PMID:20194124). (N) 0705 - No comparable variants have previous evidence for pathogenicity. (N) 0807 - Variant has not previously been reported in a clinical context. (N) 0905 - No segregation evidence has been identified for this variant. (N) 1007 - No published functional evidence has been identified for this variant. (N) 1208 - Inheritance information for this variant is not currently available. (N) Legend: (P) - Pathogenic, (N) - Neutral, (B) - Benign

Literature cited by the submitters: PubMed 20194124; PubMed 28488083.

NM_001165963.4(SCN1A):c.4837A>G (p.Ile1613Val)

Genes: SCN1A (sodium voltage-gated channel alpha subunit 1; minus strand), LOC102724058 (uncharacterized LOC102724058; plus strand). Cytogenetic location: 2q24.3.
Variant type: single nucleotide variant.
Coding change: c.4837A>G on transcript NM_001165963.4 (MANE Select); coding-DNA position 4837, A replaced by G.
Protein change: p.Ile1613Val; replaces isoleucine 1613 with valine.
Molecular consequence: missense variant. On other transcripts: non-coding transcript variant (1).
Genome position (GRCh38, 1-based): chr2:165,994,161, T>C on the plus strand (A>G on the coding strand, the complement: SCN1A is on the minus strand). VCF-style: chr2-165994161-T-C. GRCh37 (hg19) VCF-style: chr2-166850671-T-C.
Other names: c.4753A>G, p.Ile1585Val (NM_001165964.3, NM_001353957.2, NM_001353958.2); c.4837A>G, p.Ile1613Val (NM_001202435.3, NM_001353948.2); c.4804A>G, p.Ile1602Val (NM_001353949.2, NM_001353950.2, NM_001353951.2 and 2 more transcripts); c.4801A>G, p.Ile1601Val (NM_001353954.2, NM_001353955.2); c.4750A>G, p.Ile1584Val (NM_001353960.2); c.2395A>G, p.Ile799Val (NM_001353961.2); short protein forms I1584V, I1585V, I1601V, I1602V, I1613V, I799V.
Identifiers: ClinVar variation 1805334 (VCV001805334.1), dbSNP rs768031961, ClinGen allele CA1942733.